The following is an entry in ClinVar:

ClinVar aggregate classification (germline): Uncertain significance (1 of 4 stars; one submission).

Conditions:
Primary ciliary dyskinesia. Also called: Ciliary dyskinesia. Identifiers: Orphanet 244, MedGen C0008780, MONDO:0016575, HP:0012265.

Allele frequency attached by ClinVar (database versions not stated): gnomAD exomes below 0.00001.

Submission:

Labcorp Genetics (formerly Invitae), Labcorp
Classification: Uncertain significance for Primary ciliary dyskinesia. Last evaluated: 2022-06-13. Review status: criteria provided, single submitter. Criteria: Invitae Variant Classification Sherloc (09022015). Collection method: clinical testing. Allele origin: germline.
Comment: In summary, the available evidence is currently insufficient to determine the role of this variant in disease. Therefore, it has been classified as a Variant of Uncertain Significance. Algorithms developed to predict the effect of missense changes on protein structure and function are either unavailable or do not agree on the potential impact of this missense change (SIFT: "Deleterious"; PolyPhen-2: "Not Available"; Align-GVGD: "Class C0"). ClinVar contains an entry for this variant (Variation ID: 525294). This variant has not been reported in the literature in individuals affected with DNAH8-related conditions. This variant is present in population databases (no rsID available, gnomAD 0.0009%). This sequence change replaces glycine, which is neutral and non-polar, with aspartic acid, which is acidic and polar, at codon 2555 of the DNAH8 protein (p.Gly2555Asp).

NM_001206927.2(DNAH8):c.7664G>A (p.Gly2555Asp)

Gene: DNAH8 (dynein axonemal heavy chain 8; plus strand). Cytogenetic location: 6p21.2.
Variant type: single nucleotide variant.
Coding change: c.7664G>A on transcript NM_001206927.2 (MANE Select); coding-DNA position 7664, G replaced by A.
Protein change: p.Gly2555Asp; replaces glycine 2555 with aspartic acid.
Molecular consequence: missense variant.
Genome position (GRCh38, 1-based): chr6:38,875,634, G>A. VCF-style: chr6-38875634-G-A. GRCh37 (hg19) VCF-style: chr6-38843410-G-A.
Other names: c.7013G>A, p.Gly2338Asp (NM_001371.4); short protein forms G2555D, G2338D.
Identifiers: ClinVar variation 525294 (VCV000525294.9), dbSNP rs1457561714, ClinGen allele CA364029043.
Genomic context (GRCh38, chr6:38,875,634, plus strand): 5'-ATTTGAAACATTTTCAGTCTCTCAATCTTCTGGAAGGGTTAATTCCCTCCAAAGAAGAAG[G>A]CGGTGTTTCCTGTGTCGAACATCTTCATAAATTATTTGTGTTTGGCCTAATGTGGAGTTT-3'
Protein context (NP_001193856.1, residues 2545-2565): LEGLIPSKEE[Gly2555Asp]GVSCVEHLHK